The following is an entry in ClinVar:

NM_001267550.2(TTN):c.9879A>G (p.Glu3293=)

Gene: TTN (titin; minus strand). Cytogenetic location: 2q31.2.
Variant type: single nucleotide variant.
Coding change: c.9879A>G on transcript NM_001267550.2 (MANE Select); coding-DNA position 9879, A replaced by G.
Protein change: p.Glu3293=; no amino-acid change (glutamic acid 3293 retained).
Molecular consequence: synonymous variant.
Genome position (GRCh38, 1-based): chr2:178,764,636, T>C on the plus strand (A>G on the coding strand, the complement: TTN is on the minus strand). VCF-style: chr2-178764636-T-C. GRCh37 (hg19) VCF-style: chr2-179629363-T-C.
Other names: p.E3293E:GAA>GAG; p.Glu3293=; c.9741A>G, p.Glu3247= (NM_003319.4, NM_133432.3, NM_133437.4); c.9879A>G, p.Glu3293= (NM_133379.5, NM_001256850.1, NM_133378.4).
Identifiers: ClinVar variation 47707 (VCV000047707.42), dbSNP rs4894043, ClinGen allele CA284380.
Genomic context (GRCh38, chr2:178,764,636, plus strand): 5'-GGCTTCACAGGTATAGACTGCCGCATCCTCTGGGAAGGCTTCAATTAGCAAAAGCGTGTA[T>C]TCTTGCCCATCATGAAGAAATTTGCACTTGAAGCCAGTGGAAAGCAGCTGCTCTTCCTTG-3'
Protein context (NP_001254479.2, residues 3283-3303): FKCKFLHDGQ[Glu3293=]YTLLLIEAFP

ClinVar aggregate classification (germline): Benign. Review status: criteria provided, multiple submitters, no conflicts (2 of 4 stars). 26 submissions from 19 submitters: Benign (22). 4 of the submissions do not count toward it. Last evaluated 2026-02-04.

Conditions:
Cardiovascular phenotype. Identifiers: MedGen CN230736.
Autosomal recessive limb-girdle muscular dystrophy type 2J (LGMDR10). Also called: Limb-girdle muscular dystrophy, type 2J; MUSCULAR DYSTROPHY, LIMB-GIRDLE, AUTOSOMAL RECESSIVE 10. Identifiers: Orphanet 140922, MedGen C1837342, MONDO:0012127, OMIM 608807.
Dilated cardiomyopathy 1G (CMD1G). Identifiers: Orphanet 154, MedGen C1858763, MONDO:0011400, OMIM 604145.
Early-onset myopathy with fatal cardiomyopathy (CMYO5). Also called: Salih Myopathy; CONGENITAL MYOPATHY 5 WITH CARDIOMYOPATHY. Identifiers: Orphanet 289377, MedGen C2673677, MONDO:0012714, OMIM 611705. Disease mechanism: loss of function.
Myopathy, myofibrillar, 9, with early respiratory failure (MFM9). Also called: Hereditary myopathy with early respiratory failure; EDSTROM MYOPATHY; MYOPATHY, PROXIMAL, WITH EARLY RESPIRATORY MUSCLE INVOLVEMENT; Myopathy, distal, with early respiratory failure, autosomal dominant. Identifiers: Orphanet 178464, Orphanet 34521, MedGen C1863599, MONDO:0011362, OMIM 603689.
Tibial muscular dystrophy (TMD). Also called: UDD MYOPATHY; Udd Distal Myopathy – Tibial Muscular Dystrophy; Tibial muscular dystrophy, tardive. Identifiers: Orphanet 609, MedGen C1838244, MONDO:0010870, OMIM 600334.

Allele frequency attached by ClinVar (database versions not stated): ESP Exome Variant Server 0.97032; 1000 Genomes Project 30x 0.97096; TOPMed 0.97151; gnomAD 0.97302 and 0.97477; 1000 Genomes Project 0.97364; ExAC 0.99210; gnomAD exomes 0.99378 and 0.99760.
gnomAD v4.1: 1,606,528 of 1,614,084 alleles (100%); highest among the groups gnomAD compares: East Asian, 100%; 799,807 homozygotes.

Submissions (26):

Labcorp Genetics (formerly Invitae), Labcorp
Classification: Benign for Dilated cardiomyopathy 1G; Autosomal recessive limb-girdle muscular dystrophy type 2J. Last evaluated: 2026-02-04. Review status: criteria provided, single submitter. Criteria: Invitae Variant Classification Sherloc (09022015). Collection method: clinical testing. Allele origin: germline.

Molecular Diagnostic Laboratory for Inherited Cardiovascular Disease, Montreal Heart Institute
Classification: Benign. Last evaluated: 2025-04-09. Review status: criteria provided, single submitter. Criteria: ACMG Guidelines, 2015. Collection method: clinical testing. Allele origin: germline. Affected: no.

Blueprint Genetics
Classification: Benign. Last evaluated: 2024-11-26. Review status: criteria provided, single submitter. Criteria: ACMG Guidelines, 2015. Collection method: clinical testing. Allele origin: germline.

Genome-Nilou Lab
Classification: Benign for Autosomal recessive limb-girdle muscular dystrophy type 2J. Last evaluated: 2021-09-10. Review status: criteria provided, single submitter. Criteria: ACMG Guidelines, 2015. Collection method: clinical testing. Allele origin: germline. Affected: no.

Genome-Nilou Lab
Classification: Benign for Myopathy, myofibrillar, 9, with early respiratory failure. Last evaluated: 2021-09-10. Review status: criteria provided, single submitter. Criteria: ACMG Guidelines, 2015. Collection method: clinical testing. Allele origin: germline. Affected: no.

Genome-Nilou Lab
Classification: Benign for Early-onset myopathy with fatal cardiomyopathy. Last evaluated: 2021-09-10. Review status: criteria provided, single submitter. Criteria: ACMG Guidelines, 2015. Collection method: clinical testing. Allele origin: germline. Affected: no.

Genome-Nilou Lab
Classification: Benign for Tibial muscular dystrophy. Last evaluated: 2021-09-10. Review status: criteria provided, single submitter. Criteria: ACMG Guidelines, 2015. Collection method: clinical testing. Allele origin: germline. Affected: no.

Women's Health and Genetics/Laboratory Corporation of America, LabCorp
Classification: Benign. Last evaluated: 2019-08-09. Review status: criteria provided, single submitter. Criteria: LabCorp Variant Classification Summary - May 2015. Collection method: clinical testing. Allele origin: germline.

Athena Diagnostics
Classification: Benign. Last evaluated: 2019-01-15. Review status: criteria provided, single submitter. Criteria: Athena Diagnostics Criteria. Collection method: clinical testing. Allele origin: germline.

Illumina Laboratory Services, Illumina
Classification: Benign for Myopathy, myofibrillar, 9, with early respiratory failure. Last evaluated: 2018-01-13. Review status: criteria provided, single submitter. Criteria: ICSL Variant Classification Criteria 13 December 2019. Collection method: clinical testing. Allele origin: germline.
Comment: This variant was observed in the ICSL laboratory as part of a predisposition screen in an ostensibly healthy population. It had not been previously curated by ICSL or reported in the Human Gene Mutation Database (HGMD: prior to June 1st, 2018), and was therefore a candidate for classification through an automated scoring system. Utilizing variant allele frequency, disease prevalence and penetrance estimates, and inheritance mode, an automated score was calculated to assess if this variant is too frequent to cause the disease. Based on the score and internal cut-off values, a variant classified as benign is not then subjected to further curation. The score for this variant resulted in a classification of benign for this disease.

Illumina Laboratory Services, Illumina
Classification: Benign for Dilated cardiomyopathy 1G. Last evaluated: 2018-01-13. Review status: criteria provided, single submitter. Criteria: ICSL Variant Classification Criteria 13 December 2019. Collection method: clinical testing. Allele origin: germline.
Comment: the same text as in the submission from Illumina Laboratory Services, Illumina above.

Illumina Laboratory Services, Illumina
Classification: Benign for Tibial muscular dystrophy. Last evaluated: 2018-01-13. Review status: criteria provided, single submitter. Criteria: ICSL Variant Classification Criteria 13 December 2019. Collection method: clinical testing. Allele origin: germline.
Comment: the same text as in the submission from Illumina Laboratory Services, Illumina above.

Illumina Laboratory Services, Illumina
Classification: Benign for Autosomal recessive limb-girdle muscular dystrophy type 2J. Last evaluated: 2018-01-13. Review status: criteria provided, single submitter. Criteria: ICSL Variant Classification Criteria 13 December 2019. Collection method: clinical testing. Allele origin: germline.
Comment: the same text as in the submission from Illumina Laboratory Services, Illumina above.

Illumina Laboratory Services, Illumina
Classification: Benign for Early-onset myopathy with fatal cardiomyopathy. Last evaluated: 2018-01-13. Review status: criteria provided, single submitter. Criteria: ICSL Variant Classification Criteria 13 December 2019. Collection method: clinical testing. Allele origin: germline.
Comment: the same text as in the submission from Illumina Laboratory Services, Illumina above.

Mayo Clinic Laboratories, Mayo Clinic
Classification: Benign. Last evaluated: 2017-07-21. Review status: criteria provided, single submitter. Criteria: ACMG Guidelines, 2015. Collection method: clinical testing. Allele origin: germline. Observed: 2,436 variant alleles.

Eurofins Ntd Llc (ga)
Classification: Benign. Last evaluated: 2013-10-18. Review status: criteria provided, single submitter. Criteria: EGL Classification Definitions 2015. Collection method: clinical testing. Allele origin: germline. Observed: 16 variant alleles, 1 heterozygote, 15 homozygotes.

Genetic Services Laboratory, University of Chicago
Classification: Benign for AllHighlyPenetrant. Last evaluated: 2013-08-15. Review status: criteria provided, single submitter. Criteria: ACMG Guidelines, 2007. Collection method: clinical testing. Allele origin: germline.

GeneDx
Classification: Benign. Last evaluated: 2012-11-01. Review status: criteria provided, single submitter. Criteria: GeneDx Variant Classification (06012015). Collection method: clinical testing. Allele origin: germline. Affected: yes.
Comment: This variant is considered likely benign or benign based on one or more of the following criteria: it is a conservative change, it occurs at a poorly conserved position in the protein, it is predicted to be benign by multiple in silico algorithms, and/or has population frequency not consistent with disease.

Ambry Genetics
Classification: Benign for Cardiovascular phenotype. Last evaluated: 2012-08-09. Review status: criteria provided, single submitter. Criteria: Ambry Autosomal Dominant and X-Linked criteria (10/2015). Collection method: clinical testing. Allele origin: germline. Observed: 1 variant allele.

Laboratory for Molecular Medicine, Mass General Brigham Personalized Medicine
Classification: Benign. Last evaluated: 2011-09-16. Review status: criteria provided, single submitter. Criteria: LMM Criteria. Collection method: clinical testing. Allele origin: germline. Observed: 1,919 variant alleles.

Breakthrough Genomics
Classification: Benign. Review status: criteria provided, single submitter. Criteria: ACMG Guidelines, 2015. Collection method: not provided. Allele origin: germline. Inheritance: Autosomal recessive inheritance. Affected: yes.

PreventionGenetics, part of Exact Sciences
Classification: Benign. Review status: criteria provided, single submitter. Criteria: ACMG Guidelines, 2015. Collection method: clinical testing. Allele origin: germline.

Clinical Genetics DNA and cytogenetics Diagnostics Lab, Erasmus MC, Erasmus Medical Center
Classification: Benign. Review status: no assertion criteria provided. Collection method: clinical testing. Allele origin: germline. Affected: yes. Study: VKGL Data-share Consensus. Not counted in ClinVar's aggregate classification.

Clinical Genetics, Academic Medical Center
Classification: Benign. Review status: no assertion criteria provided. Collection method: clinical testing. Allele origin: germline. Affected: yes. Study: VKGL Data-share Consensus. Not counted in ClinVar's aggregate classification.

Diagnostic Laboratory, Department of Genetics, University Medical Center Groningen
Classification: Benign. Review status: no assertion criteria provided. Collection method: clinical testing. Allele origin: germline. Affected: yes. Study: VKGL Data-share Consensus. Not counted in ClinVar's aggregate classification.

Genome Diagnostics Laboratory, University Medical Center Utrecht
Classification: Benign. Review status: no assertion criteria provided. Collection method: clinical testing. Allele origin: germline. Affected: yes. Study: VKGL Data-share Consensus. Not counted in ClinVar's aggregate classification.